The following is an entry in ClinVar:

ClinVar aggregate classification (germline): Uncertain significance (1 of 4 stars; one submission).

Conditions:
Creatine transporter deficiency (CCDS1). Also called: CEREBRAL CREATINE DEFICIENCY SYNDROME 1; Mental retardation , X-linked with seizures, short stature and midface hypoplasia; Mental retardation , X-linked, with creatine transport deficiency; X-linked creatine transporter deficiency; X-linked creatine deficiency syndrome; SLC6A8-Related Creatine Transporter Deficiency. Identifiers: Orphanet 52503, MedGen C1845862, MONDO:0010305, OMIM 300352.

Submission:

Labcorp Genetics (formerly Invitae), Labcorp
Classification: Uncertain significance for Creatine transporter deficiency. Last evaluated: 2021-09-02. Review status: criteria provided, single submitter. Criteria: Invitae Variant Classification Sherloc (09022015). Collection method: clinical testing. Allele origin: germline.
Comment: This sequence change replaces proline with leucine at codon 434 of the SLC6A8 protein (p.Pro434Leu). The proline residue is highly conserved and there is a moderate physicochemical difference between proline and leucine. This variant is not present in population databases (ExAC no frequency). This variant has not been reported in the literature in individuals affected with SLC6A8-related conditions. Algorithms developed to predict the effect of missense changes on protein structure and function (SIFT, PolyPhen-2, Align-GVGD) all suggest that this variant is likely to be disruptive. In summary, the available evidence is currently insufficient to determine the role of this variant in disease. Therefore, it has been classified as a Variant of Uncertain Significance.

NM_005629.4(SLC6A8):c.1301C>T (p.Pro434Leu)

Gene: SLC6A8 (solute carrier family 6 member 8; plus strand). Cytogenetic location: Xq28.
Variant type: single nucleotide variant.
Coding change: c.1301C>T on transcript NM_005629.4 (MANE Select); coding-DNA position 1301, C replaced by T.
Protein change: p.Pro434Leu; replaces proline 434 with leucine.
Molecular consequence: missense variant.
Genome position (GRCh38, 1-based): chrX:153,694,176, C>T. VCF-style: chrX-153694176-C-T. GRCh37 (hg19) VCF-style: chrX-152959631-C-T.
Other names: c.1271C>T, p.Pro424Leu (NM_001142805.2); c.956C>T, p.Pro319Leu (NM_001142806.1); short protein forms P319L, P424L, P434L.
Identifiers: ClinVar variation 1017072 (VCV001017072.6), dbSNP rs2091474324, ClinGen allele CA415086764.